The following is an entry in ClinVar:

ClinVar aggregate classification (germline): Uncertain significance. Review status: criteria provided, multiple submitters, no conflicts (2 of 4 stars). 2 submissions from 2 submitters: Uncertain significance (2). Last evaluated 2023-05-23.

Conditions:
Classic or attenuated familial adenomatous polyposis. Identifiers: MedGen CN372698, MONDO:0021057.
Hereditary cancer-predisposing syndrome. Also called: Tumor predisposition; Hereditary neoplastic syndrome; Hereditary Cancer Syndrome; Neoplastic Syndromes, Hereditary. Identifiers: Orphanet 140162, MedGen C0027672, MeSH D009386, MONDO:0015356.

Submissions (2):

All of Us Research Program, National Institutes of Health
Classification: Uncertain significance for Classic or attenuated familial adenomatous polyposis. Last evaluated: 2023-05-23. Review status: criteria provided, single submitter. Criteria: ACMG Guidelines, 2015. Collection method: clinical testing. Allele origin: germline. Inheritance: Autosomal dominant inheritance. Observed: 1 variant allele, 1 heterozygote.
Comment: This missense variant replaces alanine with proline at codon 59 of the APC protein. Computational prediction suggests that this variant may not impact protein structure and function (internally defined REVEL score threshold <= 0.5, PMID: 27666373). To our knowledge, functional studies have not been reported for this variant. This variant has not been reported in individuals affected with hereditary cancer in the literature. This variant has not been identified in the general population by the Genome Aggregation Database (gnomAD). The available evidence is insufficient to determine the role of this variant in disease conclusively. Therefore, this variant is classified as a Variant of Uncertain Significance.

This study involves interpretation of variants in research participants for the purpose of population health screening. Participant phenotype was not available at the time of variant classification. Additional details can be found in publication PMID: 35346344, PMCID: PMC8962531

Color Diagnostics, LLC DBA Color Health
Classification: Uncertain significance for Hereditary cancer-predisposing syndrome. Last evaluated: 2023-05-03. Review status: criteria provided, single submitter. Criteria: ACMG Guidelines, 2015. Collection method: clinical testing. Allele origin: germline.
Comment: This missense variant replaces alanine with proline at codon 59 of the APC protein. Computational prediction suggests that this variant may not impact protein structure and function (internally defined REVEL score threshold <= 0.5, PMID: 27666373). To our knowledge, functional studies have not been reported for this variant. This variant has not been reported in individuals affected with hereditary cancer in the literature. This variant has not been identified in the general population by the Genome Aggregation Database (gnomAD). The available evidence is insufficient to determine the role of this variant in disease conclusively. Therefore, this variant is classified as a Variant of Uncertain Significance.

NM_000038.6(APC):c.175G>C (p.Ala59Pro)

Gene: APC (APC regulator of Wnt signaling pathway; plus strand). Cytogenetic location: 5q22.2.
Variant type: single nucleotide variant.
Coding change: c.175G>C on transcript NM_000038.6 (MANE Select); coding-DNA position 175, G replaced by C.
Protein change: p.Ala59Pro; replaces alanine 59 with proline.
Molecular consequence: missense variant. On other transcripts: 5 prime UTR variant (4).
Genome position (GRCh38, 1-based): chr5:112,766,365, G>C. VCF-style: chr5-112766365-G-C. GRCh37 (hg19) VCF-style: chr5-112102062-G-C.
Other names: c.175G>C, p.Ala59Pro (NM_001127510.3, NM_001354895.2, NM_001354896.2 and 2 more transcripts); c.205G>C, p.Ala69Pro (NM_001127511.3, NM_001354897.2, NM_001354902.2); c.100G>C, p.Ala34Pro (NM_001354898.2, NM_001354904.2); c.-3G>C (NM_001354900.2, NM_001354901.2, NM_001354905.2); c.-861G>C (NM_001354906.2); short protein forms A34P, A59P, A69P.
Identifiers: ClinVar variation 1172172 (VCV001172172.5), dbSNP rs1554069536, ClinGen allele CA16021730.
Genomic context (GRCh38, chr5:112,766,365, plus strand): 5'-ATATTGTGTTCTTTTTAACAGGAAGTACTTAAACAACTACAAGGAAGTATTGAAGATGAA[G>C]CTATGGCTTCTTCTGGACAGATTGATTTATTAGAGCGTCTTAAAGGTAGATTTTAAAAAG-3'
Protein context (NP_000029.2, residues 49-69): KQLQGSIEDE[Ala59Pro]MASSGQIDLL